The following is an entry in ClinVar:

NM_003482.4(KMT2D):c.7193T>C (p.Leu2398Pro)

Gene: KMT2D (lysine methyltransferase 2D; minus strand). Cytogenetic location: 12q13.12.
Variant type: single nucleotide variant.
Coding change: c.7193T>C on transcript NM_003482.4 (MANE Select); coding-DNA position 7193, T replaced by C.
Protein change: p.Leu2398Pro; replaces leucine 2398 with proline.
Molecular consequence: missense variant.
Genome position (GRCh38, 1-based): chr12:49,040,577, A>G on the plus strand (T>C on the coding strand, the complement: KMT2D is on the minus strand). VCF-style: chr12-49040577-A-G. GRCh37 (hg19) VCF-style: chr12-49434360-A-G.
Other names: short protein forms L2398P.
Identifiers: ClinVar variation 989259 (VCV000989259.10), dbSNP rs879792544, ClinGen allele CA236648226.

ClinVar aggregate classification (germline): Uncertain significance. Review status: criteria provided, multiple submitters, no conflicts (2 of 4 stars). 4 submissions from 4 submitters: Uncertain significance (4). Last evaluated 2025-04-24.

Conditions:
KMT2D-related disorder. Also called: KMT2D-Related Disorders.
Kabuki syndrome. Also called: Kabuki make-up syndrome; NIIKAWA-KUROKI SYNDROME. Identifiers: Orphanet 2322, MedGen C0796004, MONDO:0016512.
Kabuki syndrome 1 (KABUK1). Also called: KMT2D-Related Kabuki Syndrome. Identifiers: Orphanet 2322, MedGen CN030661, MONDO:0007843, OMIM 147920.

Submissions (4):

PreventionGenetics, part of Exact Sciences
Classification: Uncertain significance for KMT2D-related condition. Last evaluated: 2025-04-24. Review status: criteria provided, single submitter. Criteria: ACMG Guidelines, 2015. Collection method: clinical testing. Allele origin: germline.
Comment: The KMT2D c.7193T>C variant is predicted to result in the amino acid substitution p.Leu2398Pro. To our knowledge, this variant has not been reported in the literature or in a large population database (gnomAD), indicating this variant is rare. At this time, the clinical significance of this variant is uncertain due to the absence of conclusive functional and genetic evidence.

Labcorp Genetics (formerly Invitae), Labcorp
Classification: Uncertain significance for Kabuki syndrome. Last evaluated: 2022-05-10. Review status: criteria provided, single submitter. Criteria: Invitae Variant Classification Sherloc (09022015). Collection method: clinical testing. Allele origin: germline.
Comment: This variant is not present in population databases (gnomAD no frequency). This sequence change replaces leucine, which is neutral and non-polar, with proline, which is neutral and non-polar, at codon 2398 of the KMT2D protein (p.Leu2398Pro). This variant has not been reported in the literature in individuals affected with KMT2D-related conditions. In summary, the available evidence is currently insufficient to determine the role of this variant in disease. Therefore, it has been classified as a Variant of Uncertain Significance. Advanced modeling of protein sequence and biophysical properties (such as structural, functional, and spatial information, amino acid conservation, physicochemical variation, residue mobility, and thermodynamic stability) performed at Invitae indicates that this missense variant is not expected to disrupt KMT2D protein function. ClinVar contains an entry for this variant (Variation ID: 989259).

GeneDx
Classification: Uncertain significance. Last evaluated: 2019-04-05. Review status: criteria provided, single submitter. Criteria: GeneDx Variant Classification Process June 2021. Collection method: clinical testing. Allele origin: germline. Affected: yes.
Comment: Not observed in large population cohorts (Lek et al., 2016); In silico analysis, which includes protein predictors and evolutionary conservation, supports that this variant does not alter protein structure/function; Has not been previously published as pathogenic or benign to our knowledge

Illumina Laboratory Services, Illumina
Classification: Uncertain significance for Kabuki syndrome 1. Last evaluated: 2019-03-15. Review status: criteria provided, single submitter. Criteria: ICSLVariantClassificationCriteria RUGD 01 April 2020. Collection method: clinical testing. Allele origin: unknown.
Comment: The KMT2D c.7193T>C (p.Leu2398Pro) variant is a missense variant. A literature search was performed for the gene, cDNA change, and amino acid change. No publications were found based on this search. This variant is not found in the Genome Aggregation Database in a region of good sequence coverage so the variant is presumed to be rare. Based on the limited evidence, the p.Leu2398Pro variant is classified as a variant of uncertain significance for Kabuki syndrome.